The following is an entry in ClinVar:

ClinVar aggregate classification (germline): Uncertain significance. Review status: criteria provided, multiple submitters, no conflicts (2 of 4 stars). 2 submissions from 2 submitters: Uncertain significance (2). Last evaluated 2026-01-07.

Conditions:
Hereditary cancer-predisposing syndrome. Also called: Tumor predisposition; Hereditary neoplastic syndrome; Neoplastic Syndromes, Hereditary; Hereditary Cancer Syndrome. Identifiers: Orphanet 140162, MedGen C0027672, MeSH D009386, MONDO:0015356.
Familial cancer of breast. Also called: BREAST CANCER, FAMILIAL; Hereditary breast cancer; hereditary breast carcinoma. Identifiers: Orphanet 227535, MedGen C0346153, MONDO:0016419, OMIM 114480. Disease mechanism: loss of function.

Submissions (2):

Labcorp Genetics (formerly Invitae), Labcorp
Classification: Uncertain significance for Familial cancer of breast. Last evaluated: 2026-01-07. Review status: criteria provided, single submitter. Criteria: Invitae Variant Classification Sherloc (09022015). Collection method: clinical testing. Allele origin: germline.
Comment: This sequence change replaces phenylalanine, which is neutral and non-polar, with leucine, which is neutral and non-polar, at codon 600 of the BARD1 protein (p.Phe600Leu). This variant is not present in population databases (gnomAD no frequency). This variant has not been reported in the literature in individuals affected with BARD1-related conditions. ClinVar contains an entry for this variant (Variation ID: 1011037). An algorithm developed to predict the effect of missense changes on protein structure and function (PolyPhen-2) suggests that this variant is likely to be disruptive. In summary, the available evidence is currently insufficient to determine the role of this variant in disease. Therefore, it has been classified as a Variant of Uncertain Significance.

Ambry Genetics
Classification: Uncertain significance for Hereditary cancer-predisposing syndrome. Last evaluated: 2024-09-19. Review status: criteria provided, single submitter. Criteria: Ambry Variant Classification Scheme 2023. Collection method: clinical testing. Allele origin: germline.
Comment: The p.F600L variant (also known as c.1800T>G), located in coding exon 8 of the BARD1 gene, results from a T to G substitution at nucleotide position 1800. The phenylalanine at codon 600 is replaced by leucine, an amino acid with highly similar properties. This amino acid position is highly conserved in available vertebrate species. In addition, the in silico prediction for this alteration is inconclusive. Since supporting evidence is limited at this time, the clinical significance of this alteration remains unclear.

NM_000465.4(BARD1):c.1800T>G (p.Phe600Leu)

Gene: BARD1 (BRCA1 associated RING domain 1; minus strand). Cytogenetic location: 2q35.
Variant type: single nucleotide variant.
Coding change: c.1800T>G on transcript NM_000465.4 (MANE Select); coding-DNA position 1800, T replaced by G.
Protein change: p.Phe600Leu; replaces phenylalanine 600 with leucine.
Molecular consequence: missense variant. On other transcripts: non-coding transcript variant (3), intron variant (1).
Genome position (GRCh38, 1-based): chr2:214,745,732, A>C on the plus strand (T>G on the coding strand, the complement: BARD1 is on the minus strand). VCF-style: chr2-214745732-A-C. GRCh37 (hg19) VCF-style: chr2-215610456-A-C.
Other names: c.1743T>G, p.Phe581Leu (NM_001282543.2); c.447T>G, p.Phe149Leu (NM_001282545.2); c.390T>G, p.Phe130Leu (NM_001282548.2); c.365-15224T>G (NM_001282549.2); short protein forms F130L, F149L, F581L, F600L.
Identifiers: ClinVar variation 1011037 (VCV001011037.12), dbSNP rs1693073708, ClinGen allele CA350452529.
Genomic context (GRCh38, chr2:214,745,732, plus strand): 5'-ATCTATTTAACATTTTTTCTACCCCACCTCCCAAAATTCAAAATCCTCACCTGTACTGTC[A>C]AACTCAGTATATTTTTTAGCCTTAAGAATTACTGCAAGCTCACTGAGCATTTTCTGTTGT-3'
Protein context (NP_000456.2, residues 590-610): VILKAKKYTE[Phe600Leu]DSTVTHVVVP